The following is an entry in ClinVar:

ClinVar aggregate classification (germline): Uncertain significance (1 of 4 stars; one submission).

Submission:

Labcorp Genetics (formerly Invitae), Labcorp
Classification: Uncertain significance. Last evaluated: 2023-07-17. Review status: criteria provided, single submitter. Criteria: Invitae Variant Classification Sherloc (09022015). Collection method: clinical testing. Allele origin: germline.
Comment: This sequence change replaces isoleucine, which is neutral and non-polar, with threonine, which is neutral and polar, at codon 284 of the GRIA3 protein (p.Ile284Thr). This variant is not present in population databases (gnomAD no frequency). This variant has not been reported in the literature in individuals affected with GRIA3-related conditions. Advanced modeling of protein sequence and biophysical properties (such as structural, functional, and spatial information, amino acid conservation, physicochemical variation, residue mobility, and thermodynamic stability) performed at Invitae indicates that this missense variant is not expected to disrupt GRIA3 protein function. In summary, the available evidence is currently insufficient to determine the role of this variant in disease. Therefore, it has been classified as a Variant of Uncertain Significance.

NM_007325.5(GRIA3):c.851T>C (p.Ile284Thr)

Gene: GRIA3 (glutamate ionotropic receptor AMPA type subunit 3; plus strand). Cytogenetic location: Xq25.
Variant type: single nucleotide variant.
Coding change: c.851T>C on transcript NM_007325.5 (MANE Select); coding-DNA position 851, T replaced by C.
Protein change: p.Ile284Thr; replaces isoleucine 284 with threonine.
Molecular consequence: missense variant.
Genome position (GRCh38, 1-based): chrX:123,395,068, T>C. VCF-style: chrX-123395068-T-C. GRCh37 (hg19) VCF-style: chrX-122528919-T-C.
Other names: c.851T>C, p.Ile284Thr (NM_000828.5); short protein forms I284T.
Identifiers: ClinVar variation 2984005 (VCV002984005.3), dbSNP rs2521145666, ClinGen allele CA414257479.